The following is an entry in ClinVar:

ClinVar aggregate classification (germline): Pathogenic (1 of 4 stars; one submission).

Conditions:
Nemaline myopathy 2 (NEM2). Also called: Nemaline myopathy 2, autosomal recessive. Identifiers: MedGen C1850569, MONDO:0009725, OMIM 256030.

Submission:

Labcorp Genetics (formerly Invitae), Labcorp
Classification: Pathogenic for Nemaline myopathy 2. Last evaluated: 2024-02-09. Review status: criteria provided, single submitter. Criteria: Invitae Variant Classification Sherloc (09022015). Collection method: clinical testing. Allele origin: germline.
Comment: This sequence change creates a premature translational stop signal (p.Trp5885Glufs*23) in the NEB gene. It is expected to result in an absent or disrupted protein product. Loss-of-function variants in NEB are known to be pathogenic (PMID: 25205138). This variant is not present in population databases (gnomAD no frequency). This variant has not been reported in the literature in individuals affected with NEB-related conditions. ClinVar contains an entry for this variant (Variation ID: 862121). For these reasons, this variant has been classified as Pathogenic.

Literature cited by the submitters: PubMed 25205138.

NM_001164508.2(NEB):c.17653_17654del (p.Trp5885fs)

Gene: NEB (nebulin; minus strand). Cytogenetic location: 2q23.3.
Variant type: Deletion.
Coding change: c.17653_17654del on transcript NM_001164508.2 (MANE Select); coding-DNA positions 17653 to 17654, 2 bases deleted (TG; older notation c.17653_17654delTG).
Protein change: p.Trp5885fs; shifts the reading frame from tryptophan 5885.
Molecular consequence: frameshift variant.
Genome position (GRCh38, 1-based): chr2:151,568,398-151,568,399, CA deleted on the plus strand (TG on the coding strand, the reverse complement: NEB is on the minus strand). VCF-style (leftmost placement, unchanged base first): chr2-151568397-CCA-C. GRCh37 (hg19) VCF-style: chr2-152424911-CCA-C.
Other names: c.17653_17654del, p.Trp5885fs (NM_001164507.2, NM_001271208.2); c.12550_12551del, p.Trp4184fs (NM_004543.5); short protein forms W4184fs, W5885fs.
Identifiers: ClinVar variation 862121 (VCV000862121.7), dbSNP rs2096504394, ClinGen allele CA916080279.